The following is an entry in ClinVar:

ClinVar aggregate classification (germline): Uncertain significance (1 of 4 stars; one submission).

Submission:

Labcorp Genetics (formerly Invitae), Labcorp
Classification: Uncertain significance. Last evaluated: 2021-06-16. Review status: criteria provided, single submitter. Criteria: Invitae Variant Classification Sherloc (09022015). Collection method: clinical testing. Allele origin: germline.
Comment: This variant, c.40_41insCGC, results in the insertion of 1 amino acid(s) to the LRP5 protein (p.Leu13_Leu14insPro), but otherwise preserves the integrity of the reading frame. The frequency data for this variant in the population databases is considered unreliable, as metrics indicate insufficient coverage at this position in the ExAC database. This variant has not been reported in the literature in individuals with LRP5-related conditions. Experimental studies and prediction algorithms are not available or were not evaluated, and the functional significance of this variant is currently unknown. In summary, the available evidence is currently insufficient to determine the role of this variant in disease. Therefore, it has been classified as a Variant of Uncertain Significance.

NM_002335.4(LRP5):c.40_41insCGC (p.Leu13_Leu14insPro)

Gene: LRP5 (LDL receptor related protein 5; plus strand). Cytogenetic location: 11q13.2.
Variant type: Insertion.
Coding change: c.40_41insCGC on transcript NM_002335.4 (MANE Select); coding-DNA positions 40 to 41, CGC inserted.
Protein change: p.Leu13_Leu14insPro.
Molecular consequence: inframe insertion. On other transcripts: 5 prime UTR variant (1).
Genome position: GRCh38 VCF-style: chr11-68312752-T-TGCC. GRCh37 (hg19) VCF-style: chr11-68080220-T-TGCC.
Other names: c.-1726_-1725insCGC (NM_001291902.2).
Identifiers: ClinVar variation 1465064 (VCV001465064.8), dbSNP rs1392609074, ClinGen allele CA599944893.